The following is an entry in ClinVar:

ClinVar aggregate classification (germline): Benign/Likely benign. Review status: criteria provided, multiple submitters, no conflicts (2 of 4 stars). 3 submissions from 3 submitters: Benign (1); Likely benign (2). Last evaluated 2025-06-03.

Conditions:
Hereditary cancer-predisposing syndrome. Also called: Neoplastic Syndromes, Hereditary; Hereditary Cancer Syndrome; Hereditary neoplastic syndrome; Tumor predisposition. Identifiers: Orphanet 140162, MedGen C0027672, MeSH D009386, MONDO:0015356.
Tuberous sclerosis 1 (TSC1). Identifiers: Orphanet 805, MedGen C1854465, MONDO:0008612, OMIM 191100.

Allele frequency attached by ClinVar (database versions not stated): gnomAD 0.00001.
gnomAD v4.1: 1 of 1,614,132 alleles (0.000062%); highest among the groups gnomAD compares: African/African-American, 0.0013%; no homozygotes.

Submissions (3):

Labcorp Genetics (formerly Invitae), Labcorp
Classification: Likely benign for Tuberous sclerosis 1. Last evaluated: 2025-06-03. Review status: criteria provided, single submitter. Criteria: Invitae Variant Classification Sherloc (09022015). Collection method: clinical testing. Allele origin: germline.

Myriad Genetics, Inc.
Classification: Benign for Tuberous sclerosis 1. Last evaluated: 2025-04-10. Review status: criteria provided, single submitter. Criteria: Myriad Autosomal Dominant, Autosomal Recessive and X-Linked Classification Criteria (2023). Collection method: clinical testing. Allele origin: unknown.
Comment: This variant is considered benign. This variant is a silent/synonymous amino acid change and it is not expected to impact splicing.

Ambry Genetics
Classification: Likely benign for Hereditary cancer-predisposing syndrome. Last evaluated: 2023-04-08. Review status: criteria provided, single submitter. Criteria: Ambry Variant Classification Scheme 2023. Collection method: clinical testing. Allele origin: germline.

NM_000368.5(TSC1):c.1890A>G (p.Lys630=)

Gene: TSC1 (TSC complex subunit 1; minus strand). Cytogenetic location: 9q34.13.
Variant type: single nucleotide variant.
Coding change: c.1890A>G on transcript NM_000368.5 (MANE Select); coding-DNA position 1890, A replaced by G.
Protein change: p.Lys630=; no amino-acid change (lysine 630 retained).
Molecular consequence: synonymous variant.
Genome position (GRCh38, 1-based): chr9:132,905,688, T>C on the plus strand (A>G on the coding strand, the complement: TSC1 is on the minus strand). VCF-style: chr9-132905688-T-C. GRCh37 (hg19) VCF-style: chr9-135781075-T-C.
Other names: c.1890A>G (NM_000368.4); c.1887A>G, p.Lys629= (NM_001162426.2); c.1737A>G, p.Lys579= (NM_001162427.2); c.1527A>G, p.Lys509= (NM_001362177.2).
Identifiers: ClinVar variation 1161913 (VCV001161913.14), dbSNP rs1370477883, ClinGen allele CA467813069.
Genomic context (GRCh38, chr9:132,905,688, plus strand): 5'-GTCCAGCACTTCCATTGGGGAGGTAGAGGGCACACCATCTTCCTCTGTGTTTCCTTTTGC[T>C]TTCTTTAACAGCTCCTCAGTCTTCCTGATGACAAAATGATGGGCTGTCTTTGGCAATGCC-3'
Protein context (NP_000359.1, residues 620-640): VIRKTEELLK[Lys630=]AKGNTEEDGV